The following is an entry in ClinVar:

NM_020708.5(SLC12A5):c.2911-26C>T

Gene: SLC12A5 (solute carrier family 12 member 5; plus strand). Cytogenetic location: 20q13.12.
Variant type: single nucleotide variant.
Coding change: c.2911-26C>T on transcript NM_020708.5 (MANE Select); 26 bases into the intron before coding-DNA position 2911, C replaced by T.
Molecular consequence: intron variant.
Genome position (GRCh38, 1-based): chr20:46,056,339, C>T. VCF-style: chr20-46056339-C-T. GRCh37 (hg19) VCF-style: chr20-44684978-C-T.
Other names: c.2980-26C>T (NM_001134771.2).
Identifiers: ClinVar variation 3255279 (VCV003255279.2), dbSNP rs2297201.
Genomic context (GRCh38, chr20:46,056,339, plus strand): 5'-AGCTTGGGTGGTTTGGCCCCAACCAGTGGGAGCAGAGCCCTTGGCCTCCAAAGGACTCAA[C>T]TGCCATCGCTTCATTCATCCCTCAGGTGCAGCTGATCCACGATCAGAGTGCTCCCAGCTG-3'

ClinVar aggregate classification (germline): Benign (1 of 4 stars; one submission).

Allele frequency attached by ClinVar (database versions not stated): ESP Exome Variant Server 0.08119; gnomAD 0.09818; TOPMed 0.11480; ExAC 0.12168; 1000 Genomes Project 0.16454; 1000 Genomes Project 30x 0.16677.
gnomAD v4.1: 137,192 of 1,608,382 alleles (8.5%); highest among the groups gnomAD compares: Admixed American, 31%; 9,206 homozygotes.

Submission:

Unidad de Genómica Garrahan, Hospital de Pediatría Garrahan
Classification: Benign. Last evaluated: 2024-07-15. Review status: criteria provided, single submitter. Criteria: ACMG Guidelines, 2015. Collection method: clinical testing. Allele origin: germline. Affected: no. Observed: 39 variant alleles.
Comment: This variant is classified as Benign based on local population frequency. This variant was detected in 42% of patients studied in a panel designed for Epileptic and Developmental Encephalopathy and Progressive Myoclonus Epilepsy. Number of patients: 39. Only high quality variants are reported.